The following is an entry in ClinVar:

NM_021076.4(NEFH):c.1095del (p.Gln365fs)

Gene: NEFH (neurofilament heavy chain; plus strand). Cytogenetic location: 22q12.2.
Variant type: Deletion.
Coding change: c.1095del on transcript NM_021076.4 (MANE Select); coding-DNA position 1095, one base deleted (G; older notation c.1095delG).
Protein change: p.Gln365fs; shifts the reading frame from glutamine 365.
Molecular consequence: frameshift variant.
Genome position (GRCh38, 1-based): chr22:29,485,734, G deleted. VCF-style (leftmost placement, unchanged base first): chr22-29485733-AG-A. GRCh37 (hg19) VCF-style: chr22-29881722-AG-A.
Other names: short protein forms Q365fs.
Identifiers: ClinVar variation 1806246 (VCV001806246.1), dbSNP rs2517973895, ClinGen allele CA923726309.

ClinVar aggregate classification (germline): Uncertain significance (1 of 4 stars; one submission).

Conditions:
Charcot-Marie-Tooth disease axonal type 2CC. Also called: CHARCOT-MARIE-TOOTH NEUROPATHY, TYPE 2CC. Identifiers: MedGen C4310790, MONDO:0014836, OMIM 616924.

Submission:

Victorian Clinical Genetics Services, Murdoch Childrens Research Institute
Classification: Uncertain significance for Charcot-Marie-Tooth disease axonal type 2CC. Last evaluated: 2020-07-02. Review status: criteria provided, single submitter. Criteria: ACMG Guidelines, 2015. Collection method: clinical testing. Allele origin: germline. Inheritance: Autosomal dominant inheritance.
Comment: Based on the classification scheme VCGS_Germline_v1.1.1, this variant is classified as 3B-VUS. Following criteria are met: 0101 - Gain-of-function is a known mechanism of disease for this gene. Type 2CC axonal Charcot-Marie-Tooth disease has been associated with variants causing frameshift and elongation of NEFH protein, resulting in abnormal protein aggregation (PMID: 30992180). (N) 0107 - This gene is known to be associated with autosomal dominant disease. (N) 0201 - Variant is predicted to cause nonsense-mediated decay (NMD) and loss of protein (exon 3 of 4). (P) 0251 - Variant is heterozygous. (N) 0301 - Variant is absent from gnomAD. (P) 0704 - Comparable variant has low previous evidence for pathogenicity. An NMD-predicted variant has been reported as likely pathogenic but without clear evidence (ClinVar). (P) 0807 - Variant has not previously been reported in a clinical context. (N) 0905 - No segregation evidence has been identified for this variant. (N) 1007 - No published functional evidence has been identified for this variant. (N) 1208 - Inheritance information for this variant is not currently available. (N) Legend: (P) - Pathogenic, (N) - Neutral, (B) - Benign

Literature cited by the submitters: PubMed 30992180.